The following is an entry in ClinVar:

NM_001184785.2(PARD3):c.3560C>T (p.Thr1187Met)

Gene: PARD3 (par-3 family cell polarity regulator; minus strand). Cytogenetic location: 10p11.22.
Variant type: single nucleotide variant.
Coding change: c.3560C>T on transcript NM_001184785.2 (MANE Select); coding-DNA position 3560, C replaced by T.
Protein change: p.Thr1187Met; replaces threonine 1187 with methionine.
Molecular consequence: missense variant.
Genome position (GRCh38, 1-based): chr10:34,119,721, G>A on the plus strand (C>T on the coding strand, the complement: PARD3 is on the minus strand). VCF-style: chr10-34119721-G-A. GRCh37 (hg19) VCF-style: chr10-34408649-G-A.
Other names: c.3521C>T, p.Thr1174Met (NM_001184786.2); c.3458C>T, p.Thr1153Met (NM_001184787.2); c.3431C>T, p.Thr1144Met (NM_001184788.2); c.3320C>T, p.Thr1107Met (NM_001184789.2); c.3299C>T, p.Thr1100Met (NM_001184790.2); c.3233C>T, p.Thr1078Met (NM_001184791.2); c.3569C>T, p.Thr1190Met (NM_019619.4); short protein forms T1078M, T1100M, T1107M, T1144M, T1153M, T1174M, T1187M, T1190M.
Identifiers: ClinVar variation 3039204 (VCV003039204.2), dbSNP rs61735568, ClinGen allele CA5467222.
Genomic context (GRCh38, chr10:34,119,721, plus strand): 5'-TCCTCCTGCCGCTGCCGCTGCATCTGCACCTCCACGGACACCGAGTGTCGCCCGCTCTGC[G>A]TCGCCGGCCGTGCGTTCGGCTGGAAGAGGAAAATACAAGCACATCGTTAACCAGAAAGTT-3'
Protein context (NP_001171714.1, residues 1177-1197): EQPWPNARPA[Thr1187Met]QSGRHSVSVE

ClinVar aggregate classification (germline): Benign (0 of 4 stars; one submission).

Conditions:
PARD3-related disorder. Also called: PARD3-related condition.

Allele frequency attached by ClinVar (database versions not stated): ExAC 0.00200; gnomAD 0.00636; TOPMed 0.00726; ESP Exome Variant Server 0.00731; 1000 Genomes Project 0.00739; 1000 Genomes Project 30x 0.00796.
gnomAD v4.1: 1,938 of 1,611,664 alleles (0.12%); highest among the groups gnomAD compares: African/African-American, 2.2%; 16 homozygotes.

Submission:

PreventionGenetics, part of Exact Sciences
Classification: Benign for PARD3-related condition. Last evaluated: 2019-06-06. Review status: no assertion criteria provided. Collection method: clinical testing. Allele origin: germline.
Comment: This variant is classified as benign based on ACMG/AMP sequence variant interpretation guidelines (Richards et al. 2015 PMID: 25741868, with internal and published modifications).